The following is an entry in ClinVar:

ClinVar aggregate classification (germline): Uncertain significance. Review status: criteria provided, multiple submitters, no conflicts (2 of 4 stars). 2 submissions from 2 submitters: Uncertain significance (2). Last evaluated 2025-07-31.

Conditions:
Inborn genetic diseases. Identifiers: MedGen C0950123, MeSH D030342.
Baller-Gerold syndrome (BGS). Also called: CRANIOSYNOSTOSIS WITH RADIAL DEFECTS. Identifiers: Orphanet 1225, MedGen C0265308, MONDO:0009039, OMIM 218600.

Allele frequency attached by ClinVar (database versions not stated): gnomAD exomes below 0.00001.

Submissions (2):

Ambry Genetics
Classification: Uncertain significance for Inborn genetic diseases. Last evaluated: 2025-07-31. Review status: criteria provided, single submitter. Criteria: Ambry Variant Classification Scheme 2023. Collection method: clinical testing. Allele origin: germline.
Comment: The p.P891L variant (also known as c.2672C>T), located in coding exon 15 of the RECQL4 gene, results from a C to T substitution at nucleotide position 2672. The proline at codon 891 is replaced by leucine, an amino acid with similar properties. This amino acid position is conserved. In addition, this alteration is predicted to be tolerated by in silico analysis. Based on the available evidence, the clinical significance of this variant remains unclear.

Labcorp Genetics (formerly Invitae), Labcorp
Classification: Uncertain significance for Baller-Gerold syndrome. Last evaluated: 2024-04-15. Review status: criteria provided, single submitter. Criteria: Invitae Variant Classification Sherloc (09022015). Collection method: clinical testing. Allele origin: germline.
Comment: This sequence change replaces proline, which is neutral and non-polar, with leucine, which is neutral and non-polar, at codon 891 of the RECQL4 protein (p.Pro891Leu). This variant is not present in population databases (gnomAD no frequency). This variant has not been reported in the literature in individuals affected with RECQL4-related conditions. ClinVar contains an entry for this variant (Variation ID: 1492990). Advanced modeling of protein sequence and biophysical properties (such as structural, functional, and spatial information, amino acid conservation, physicochemical variation, residue mobility, and thermodynamic stability) performed at Invitae indicates that this missense variant is not expected to disrupt RECQL4 protein function with a negative predictive value of 80%. In summary, the available evidence is currently insufficient to determine the role of this variant in disease. Therefore, it has been classified as a Variant of Uncertain Significance.

NM_004260.4(RECQL4):c.2672C>T (p.Pro891Leu)

Gene: RECQL4 (RecQ like helicase 4; minus strand). Cytogenetic location: 8q24.3.
Variant type: single nucleotide variant.
Coding change: c.2672C>T on transcript NM_004260.4 (MANE Select); coding-DNA position 2672, C replaced by T.
Protein change: p.Pro891Leu; replaces proline 891 with leucine.
Molecular consequence: missense variant.
Genome position (GRCh38, 1-based): chr8:144,512,930, G>A on the plus strand (C>T on the coding strand, the complement: RECQL4 is on the minus strand). VCF-style: chr8-144512930-G-A. GRCh37 (hg19) VCF-style: chr8-145738313-G-A.
Other names: c.2672C>T (NM_004260.3); short protein forms P891L.
Identifiers: ClinVar variation 1492990 (VCV001492990.7), dbSNP rs2130670349, ClinGen allele CA372675406.